The following is an entry in ClinVar:

ClinVar aggregate classification (germline): Uncertain significance (1 of 4 stars; one submission).

Allele frequency attached by ClinVar (database versions not stated): gnomAD exomes below 0.00001.
gnomAD v4.1: 3 of 1,600,100 alleles (0.00019%); highest among the groups gnomAD compares: Middle Eastern, 0.017%; no homozygotes.

Submission:

Labcorp Genetics (formerly Invitae), Labcorp
Classification: Uncertain significance. Last evaluated: 2024-10-16. Review status: criteria provided, single submitter. Criteria: Invitae Variant Classification Sherloc (09022015). Collection method: clinical testing. Allele origin: germline.
Comment: This sequence change falls in intron 29 of the TTC37 gene. It does not directly change the encoded amino acid sequence of the TTC37 protein. It affects a nucleotide within the consensus splice site. This variant is not present in population databases (gnomAD no frequency). This variant has not been reported in the literature in individuals affected with TTC37-related conditions. ClinVar contains an entry for this variant (Variation ID: 1359200). Variants that disrupt the consensus splice site are a relatively common cause of aberrant splicing (PMID: 17576681, 9536098). Algorithms developed to predict the effect of sequence changes on RNA splicing suggest that this variant is not likely to affect RNA splicing. In summary, the available evidence is currently insufficient to determine the role of this variant in disease. Therefore, it has been classified as a Variant of Uncertain Significance.

Literature cited by the submitters: PubMed 17576681; PubMed 9536098.

NM_014639.4(SKIC3):c.3014+5A>G

Gene: SKIC3 (SKI3 subunit of superkiller complex; minus strand). Cytogenetic location: 5q15.
Variant type: single nucleotide variant.
Coding change: c.3014+5A>G on transcript NM_014639.4 (MANE Select); 5 bases into the intron after coding-DNA position 3014, A replaced by G.
Molecular consequence: intron variant.
Genome position (GRCh38, 1-based): chr5:95,509,589, T>C on the plus strand (A>G on the coding strand, the complement: SKIC3 is on the minus strand). VCF-style: chr5-95509589-T-C. GRCh37 (hg19) VCF-style: chr5-94845293-T-C.
Identifiers: ClinVar variation 1359200 (VCV001359200.6), dbSNP rs1033126589, ClinGen allele CA122846617.